The following is an entry in ClinVar:

ClinVar aggregate classification (germline): Uncertain significance (1 of 4 stars; one submission).

Conditions:
Early-infantile DEE. Also called: Ohtahara syndrome; Early infantile epileptic encephalopathy with suppression bursts; Early infantile epileptic encephalopathy. Identifiers: Orphanet 1934, MedGen C0393706, MONDO:0800491.

Submission:

Labcorp Genetics (formerly Invitae), Labcorp
Classification: Uncertain significance for Early-infantile DEE. Last evaluated: 2023-05-30. Review status: criteria provided, single submitter. Criteria: Invitae Variant Classification Sherloc (09022015). Collection method: clinical testing. Allele origin: germline.
Comment: In summary, the available evidence is currently insufficient to determine the role of this variant in disease. Therefore, it has been classified as a Variant of Uncertain Significance. Advanced modeling of protein sequence and biophysical properties (such as structural, functional, and spatial information, amino acid conservation, physicochemical variation, residue mobility, and thermodynamic stability) performed at Invitae indicates that this missense variant is not expected to disrupt HCN1 protein function. This variant has not been reported in the literature in individuals affected with HCN1-related conditions. This variant is not present in population databases (gnomAD no frequency). This sequence change replaces serine, which is neutral and polar, with threonine, which is neutral and polar, at codon 56 of the HCN1 protein (p.Ser56Thr).

NM_021072.4(HCN1):c.166T>A (p.Ser56Thr)

Gene: HCN1 (hyperpolarization activated cyclic nucleotide gated potassium channel 1; minus strand). Cytogenetic location: 5p12.
Variant type: single nucleotide variant.
Coding change: c.166T>A on transcript NM_021072.4 (MANE Select); coding-DNA position 166, T replaced by A.
Protein change: p.Ser56Thr; replaces serine 56 with threonine.
Molecular consequence: missense variant.
Genome position (GRCh38, 1-based): chr5:45,695,928, A>T on the plus strand (T>A on the coding strand, the complement: HCN1 is on the minus strand). VCF-style: chr5-45695928-A-T. GRCh37 (hg19) VCF-style: chr5-45696030-A-T.
Other names: short protein forms S56T.
Identifiers: ClinVar variation 2862278 (VCV002862278.3), dbSNP rs2478644460, ClinGen allele CA359706612.